The following is an entry in ClinVar:

ClinVar aggregate classification (germline): Uncertain significance (1 of 4 stars; one submission).

Conditions:
Fanconi anemia complementation group J. Also called: BRIP1-Related Fanconi Anemia. Identifiers: Orphanet 84, MedGen C1836860, MONDO:0012187, OMIM 609054.
Familial cancer of breast. Also called: BREAST CANCER, FAMILIAL; hereditary breast carcinoma; Hereditary breast cancer. Identifiers: Orphanet 227535, MedGen C0346153, MONDO:0016419, OMIM 114480. Disease mechanism: loss of function.

Submission:

Labcorp Genetics (formerly Invitae), Labcorp
Classification: Uncertain significance for Familial cancer of breast; Fanconi anemia complementation group J. Last evaluated: 2017-10-06. Review status: criteria provided, single submitter. Criteria: Invitae Variant Classification Sherloc (09022015). Collection method: clinical testing. Allele origin: germline.
Comment: This variant is not present in population databases (ExAC no frequency). This sequence change replaces alanine with threonine at codon 60 of the BRIP1 protein (p.Ala60Thr). The alanine residue is moderately conserved and there is a small physicochemical difference between alanine and threonine. This variant has not been reported in the literature in individuals with BRIP1-related disease. Algorithms developed to predict the effect of missense changes on protein structure and function (SIFT, PolyPhen-2, Align-GVGD) all suggest that this variant is likely to be tolerated, but these predictions have not been confirmed by published functional studies and their clinical significance is uncertain. In summary, the available evidence is currently insufficient to determine the role of this variant in disease. Therefore, it has been classified as a Variant of Uncertain Significance.

NM_032043.3(BRIP1):c.178G>A (p.Ala60Thr)

Gene: BRIP1 (BRCA1 interacting DNA helicase 1; minus strand). Cytogenetic location: 17q23.2.
Variant type: single nucleotide variant.
Coding change: c.178G>A on transcript NM_032043.3 (MANE Select); coding-DNA position 178, G replaced by A.
Protein change: p.Ala60Thr; replaces alanine 60 with threonine.
Molecular consequence: missense variant.
Genome position (GRCh38, 1-based): chr17:61,859,823, C>T on the plus strand (G>A on the coding strand, the complement: BRIP1 is on the minus strand). VCF-style: chr17-61859823-C-T. GRCh37 (hg19) VCF-style: chr17-59937184-C-T.
Other names: short protein forms A60T.
Identifiers: ClinVar variation 530307 (VCV000530307.9), dbSNP rs1555618394, ClinGen allele CA400485704.